The following is an entry in ClinVar:

NM_007294.4(BRCA1):c.1424G>T (p.Ser475Ile)

Gene: BRCA1 (BRCA1 DNA repair associated; minus strand). Cytogenetic location: 17q21.31.
Variant type: single nucleotide variant.
Coding change: c.1424G>T on transcript NM_007294.4 (MANE Select); coding-DNA position 1424, G replaced by T.
Protein change: p.Ser475Ile; replaces serine 475 with isoleucine.
Molecular consequence: missense variant. On other transcripts: intron variant (137).
Genome position (GRCh38, 1-based): chr17:43,094,107, C>A on the plus strand (G>T on the coding strand, the complement: BRCA1 is on the minus strand). VCF-style: chr17-43094107-C-A. GRCh37 (hg19) VCF-style: chr17-41246124-C-A.
Other names: c.1160G>T, p.Ser387Ile (NM_001407920.1, NM_001407921.1, NM_001407922.1 and 9 more transcripts); c.1211G>T, p.Ser404Ile (NM_001407918.1, NM_001407917.1, NM_001407571.1 and 9 more transcripts); c.1301G>T, p.Ser434Ile (NM_001407919.1, NM_001407937.1, NM_001407938.1 and 19 more transcripts); c.1424G>T, p.Ser475Ile (NM_001407581.1, NM_001407582.1, NM_001407583.1 and 30 more transcripts); c.1157G>T, p.Ser386Ile (NM_001407932.1, NM_001407934.1, NM_001407936.1 and 2 more transcripts); c.1421G>T, p.Ser474Ile (NM_001407587.1, NM_001407590.1, NM_001407591.1 and 22 more transcripts); c.1298G>T, p.Ser433Ile (NM_001407940.1, NM_001407941.1, NM_001407649.1 and 11 more transcripts); c.1283G>T, p.Ser428Ile (NM_001407942.1, NM_001407944.1, NM_001407945.1 and 29 more transcripts); and 40 more; short protein forms S363I, S386I, S387I, S433I, S475I, S347I, S407I, S434I.
Identifiers: ClinVar variation 1772339 (VCV001772339.4), dbSNP rs1567799668, ClinGen allele CA10599197.

ClinVar aggregate classification (germline): Conflicting classifications of pathogenicity. Review status: criteria provided, conflicting classifications (1 of 4 stars). 2 submissions from 2 submitters: Uncertain significance (1); Likely benign (1). Last evaluated 2023-03-23.

Conditions:
Hereditary cancer-predisposing syndrome. Also called: Hereditary Cancer Syndrome; Hereditary neoplastic syndrome; Neoplastic Syndromes, Hereditary; Tumor predisposition. Identifiers: Orphanet 140162, MedGen C0027672, MeSH D009386, MONDO:0015356.

Submissions (2):

University of Washington Department of Laboratory Medicine, University of Washington
Classification: Likely benign for Hereditary cancer-predisposing syndrome. Last evaluated: 2023-03-23. Review status: criteria provided, single submitter. Criteria: Dines et al. (Genet Med. 2020). Collection method: curation. Allele origin: germline.
Comment: Missense variant in a coldspot region where missense variants are very unlikely to be pathogenic (PMID:31911673).

BRCA1 coldspot (exon 11 using historical exon numbering). Reclassification based on statistical prior probability

Ambry Genetics
Classification: Uncertain significance for Hereditary cancer-predisposing syndrome. Last evaluated: 2015-11-19. Review status: criteria provided, single submitter. Criteria: Ambry Variant Classification Scheme 2023. Collection method: clinical testing. Allele origin: germline.
Comment: The p.S475I variant (also known as c.1424G>T), located in coding exon 9 of the BRCA1 gene, results from a G to T substitution at nucleotide position 1424. The serine at codon 475 is replaced by isoleucine, an amino acid with dissimilar properties. This variant was not reported in population based cohorts in the following databases: Database of Single Nucleotide Polymorphisms (dbSNP), NHLBI Exome Sequencing Project (ESP), and 1000 Genomes Project. In the ESP, this variant was not observed in 6503 samples (13006 alleles) with coverage at this position. To date, this alteration has been detected with an allele frequency of approximately 0.0004% (greater than 225000 alleles tested) in our clinical cohort. This amino acid position is not well conserved in available vertebrate species. In addition, this alteration is predicted to be deleterious by in silico analysis. Since supporting evidence is limited at this time, the clinical significance of p.S475I remains unclear.